The following is an entry in ClinVar:

ClinVar aggregate classification (germline): Uncertain significance (1 of 4 stars; one submission).

Submission:

GeneDx
Classification: Uncertain significance. Last evaluated: 2025-09-25. Review status: criteria provided, single submitter. Criteria: GeneDx Variant Classification Process June 2021. Collection method: clinical testing. Allele origin: germline. Affected: yes.
Comment: Not observed at significant frequency in large population cohorts (gnomAD); In silico analysis supports that this missense variant has a deleterious effect on protein structure/function; Has not been previously published as pathogenic or benign to our knowledge

NM_000330.4(RS1):c.403G>A (p.Gly135Arg)

Genes: CDKL5 (cyclin dependent kinase like 5; plus strand), RS1 (retinoschisin 1; minus strand). Cytogenetic location: Xp22.13.
Variant type: single nucleotide variant.
Coding change: c.403G>A on transcript NM_000330.4 (MANE Select); coding-DNA position 403, G replaced by A.
Protein change: p.Gly135Arg; replaces glycine 135 with arginine.
Molecular consequence: missense variant. On other transcripts: intron variant (2).
Genome position (GRCh38, 1-based): chrX:18,644,549, C>T on the plus strand (G>A on the coding strand, the complement: RS1 is on the minus strand). VCF-style: chrX-18644549-C-T. GRCh37 (hg19) VCF-style: chrX-18662669-C-T.
Other names: c.2714-1458C>T (NM_003159.3, NM_001037343.2); short protein forms G135R.
Identifiers: ClinVar variation 4818913 (VCV004818913.1).
Genomic context (GRCh38, chrX:18,644,549, plus strand): 5'-ACTGCACGCTGTACTTGGTCATCCACTCATCGATGTCACAGCGCCCCTGGGTGAGGATCC[C>T]TGAAATCACTTTGATCTCCTTCAGATCTATCTGTAACCACTGGCTACTGTCCTGGAACTT-3'
Protein context (NP_000321.1, residues 125-145): IDLKEIKVIS[Gly135Arg]ILTQGRCDID